The following is an entry in ClinVar:

NM_080669.6(SLC46A1):c.1323-18C>G

Genes: SARM1 (sterile alpha and TIR motif containing 1; plus strand), SLC46A1 (solute carrier family 46 member 1; minus strand). Cytogenetic location: 17q11.2.
Variant type: single nucleotide variant.
Coding change: c.1323-18C>G on transcript NM_080669.6 (MANE Select); 18 bases into the intron before coding-DNA position 1323, C replaced by G.
Molecular consequence: intron variant. On other transcripts: 3 prime UTR variant (1).
Genome position (GRCh38, 1-based): chr17:28,399,731, G>C on the plus strand (C>G on the coding strand, the complement: SLC46A1 is on the minus strand). VCF-style: chr17-28399731-G-C. GRCh37 (hg19) VCF-style: chr17-26726747-G-C.
Other names: c.*3445G>C (NM_015077.4); c.1239-18C>G (NM_001242366.3).
Identifiers: ClinVar variation 1640552 (VCV001640552.11), dbSNP rs782810421, ClinGen allele CA8458148.

ClinVar aggregate classification (germline): Likely benign. Review status: criteria provided, multiple submitters, no conflicts (2 of 4 stars). 3 submissions from 3 submitters: Likely benign (3). Last evaluated 2025-10-16.

Allele frequency attached by ClinVar (database versions not stated): gnomAD 0.00006; TOPMed 0.00011.
gnomAD v4.1: 94 of 1,613,800 alleles (0.0058%); highest among the groups gnomAD compares: Middle Eastern, 0.066%; no homozygotes.

Submissions (3):

Labcorp Genetics (formerly Invitae), Labcorp
Classification: Likely benign. Last evaluated: 2025-10-16. Review status: criteria provided, single submitter. Criteria: Invitae Variant Classification Sherloc (09022015). Collection method: clinical testing. Allele origin: germline.

Women's Health and Genetics/Laboratory Corporation of America, LabCorp
Classification: Likely benign. Last evaluated: 2024-03-26. Review status: criteria provided, single submitter. Criteria: LabCorp Variant Classification Summary - May 2015. Collection method: clinical testing. Allele origin: germline.
Comment: Variant summary: SLC46A1 c.1323-18C>G alters a non-conserved nucleotide located at a position not widely known to affect splicing. Consensus agreement among computation tools predict no significant impact on normal splicing. However, these predictions have yet to be confirmed by functional studies. The variant allele was found at a frequency of 0.0001 in 249084 control chromosomes (gnomAD). This frequency is not significantly higher than estimated for a pathogenic variant in SLC46A1 causing Congenital Defect Of Folate Absorption (0.0001 vs 0.0011), allowing no conclusion about variant significance. To our knowledge, no occurrence of c.1323-18C>G in individuals affected with Congenital Defect Of Folate Absorption and no experimental evidence demonstrating its impact on protein function have been reported. ClinVar contains an entry for this variant (Variation ID: 1640552). Based on the evidence outlined above, the variant was classified as likely benign.

Blueprint Genetics
Classification: Likely benign. Last evaluated: 2022-06-08. Review status: criteria provided, single submitter. Criteria: ACMG Guidelines, 2015. Collection method: clinical testing. Allele origin: germline.